The following is an entry in ClinVar:

ClinVar aggregate classification (germline): Uncertain significance (1 of 4 stars; one submission).

Allele frequency attached by ClinVar (database versions not stated): ExAC 0.00001; gnomAD exomes 0.00001; TOPMed 0.00001; gnomAD 0.00002.
gnomAD v4.1: 12 of 1,614,068 alleles (0.00074%); highest among the groups gnomAD compares: African/African-American, 0.0013%; no homozygotes.

Submission:

Labcorp Genetics (formerly Invitae), Labcorp
Classification: Uncertain significance. Last evaluated: 2021-01-02. Review status: criteria provided, single submitter. Criteria: Invitae Variant Classification Sherloc (09022015). Collection method: clinical testing. Allele origin: germline.
Comment: In summary, the available evidence is currently insufficient to determine the role of this variant in disease. Therefore, it has been classified as a Variant of Uncertain Significance. Algorithms developed to predict the effect of missense changes on protein structure and function are either unavailable or do not agree on the potential impact of this missense change (SIFT: "Deleterious"; PolyPhen-2: "Possibly Damaging"; Align-GVGD: "Class C0"). This variant has not been reported in the literature in individuals with ARNT2-related conditions. This variant is present in population databases (rs764408198, ExAC 0.002%). This sequence change replaces alanine with valine at codon 127 of the ARNT2 protein (p.Ala127Val). The alanine residue is highly conserved and there is a small physicochemical difference between alanine and valine.

NM_014862.4(ARNT2):c.380C>T (p.Ala127Val)

Gene: ARNT2 (aryl hydrocarbon receptor nuclear translocator 2; plus strand). Cytogenetic location: 15q25.1.
Variant type: single nucleotide variant.
Coding change: c.380C>T on transcript NM_014862.4 (MANE Select); coding-DNA position 380, C replaced by T.
Protein change: p.Ala127Val; replaces alanine 127 with valine.
Molecular consequence: missense variant.
Genome position (GRCh38, 1-based): chr15:80,470,403, C>T. VCF-style: chr15-80470403-C-T. GRCh37 (hg19) VCF-style: chr15-80762744-C-T.
Other names: short protein forms A127V.
Identifiers: ClinVar variation 1421057 (VCV001421057.6), dbSNP rs764408198, ClinGen allele CA7691680.
Genomic context (GRCh38, chr15:80,470,403, plus strand): 5'-GCATGGCCGTCTCGCACATGAAGTCCATGAGGGGTACAGGGAACAAGTCCACCGATGGCG[C>T]GTACAAGCCTTCCTTCCTCACAGAGCAGGTACCCTGGTCATCACATCACCATTGGAAAGC-3'
Protein context (NP_055677.3, residues 117-137): RGTGNKSTDG[Ala127Val]YKPSFLTEQE